The following is an entry in ClinVar:

NM_178857.6(RP1L1):c.3263C>T (p.Ala1088Val)

Gene: RP1L1 (RP1 like 1). Cytogenetic location: 8p23.1.
Variant type: single nucleotide variant.
Coding change: c.3263C>T on transcript NM_178857.6 (MANE Select); coding-DNA position 3263, C replaced by T.
Protein change: p.Ala1088Val; replaces alanine 1088 with valine.
Molecular consequence: missense variant.
Genome position (GRCh38, 1-based): chr8:10,610,835, G>A on the plus strand (C>T on the coding strand, the complement: RP1L1 is on the minus strand). VCF-style: chr8-10610835-G-A. GRCh37 (hg19) VCF-style: chr8-10468345-G-A.
Other names: short protein forms A1088V.
Identifiers: ClinVar variation 361316 (VCV000361316.44), dbSNP rs200477735, ClinGen allele CA4624542.
Genomic context (GRCh38, chr8:10,610,835, plus strand): 5'-GCCATGGGCCTAGACACTTCGGGCACGCTGCTGGGCCGGCCCTGCTTGGAGCCCATCAGC[G>A]CCCTCATGATCTGCGTGGAGGCAGACACCCGGCCAGGAAGTGCCCGCAGGCTCACCCTGC-3'
Protein context (NP_849188.4, residues 1078-1098): RVSASTQIMR[Ala1088Val]LMGSKQGRPS

ClinVar aggregate classification (germline): Conflicting classifications of pathogenicity. Review status: criteria provided, conflicting classifications (1 of 4 stars). 5 submissions from 5 submitters: Uncertain significance (1); Benign (1); Likely benign (3). Last evaluated 2025-09-01.

Conditions:
Occult macular dystrophy (OCMD). Also called: OMD; OCCULT MACULAR DYSTROPHY, SUSCEPTIBILITY TO. Identifiers: Orphanet 247834, MedGen C3150833, MONDO:0013316, OMIM 613587, HP:0030636.
Inborn genetic diseases. Identifiers: MedGen C0950123, MeSH D030342.

Allele frequency attached by ClinVar (database versions not stated): TOPMed 0.00139; gnomAD 0.00145 and 0.00164; ESP Exome Variant Server 0.00198; 1000 Genomes Project 0.00200; 1000 Genomes Project 30x 0.00219.
gnomAD v4.1: 4,304 of 1,607,588 alleles (0.27%); highest among the groups gnomAD compares: South Asian, 0.68%; 19 homozygotes.

Submissions (5):

CeGaT Center for Human Genetics Tuebingen
Classification: Likely benign. Last evaluated: 2025-09-01. Review status: criteria provided, single submitter. Criteria: CeGaT Center For Human Genetics Tuebingen Variant Classification Criteria Version 2. Collection method: clinical testing. Allele origin: germline. Affected: yes. Observed: 7 variant alleles.
Comment: RP1L1: BP4, BS2

Ambry Genetics
Classification: Uncertain significance for Inborn genetic diseases. Last evaluated: 2024-12-25. Review status: criteria provided, single submitter. Criteria: Ambry Variant Classification Scheme 2023. Collection method: clinical testing. Allele origin: germline.

Blueprint Genetics
Classification: Likely benign. Last evaluated: 2024-11-25. Review status: criteria provided, single submitter. Criteria: ACMG Guidelines, 2015. Collection method: clinical testing. Allele origin: germline.

Illumina Laboratory Services, Illumina
Classification: Benign for Occult macular dystrophy. Last evaluated: 2018-01-13. Review status: criteria provided, single submitter. Criteria: ICSL Variant Classification Criteria 13 December 2019. Collection method: clinical testing. Allele origin: germline.
Comment: This variant was observed in the ICSL laboratory as part of a predisposition screen in an ostensibly healthy population. It had not been previously curated by ICSL or reported in the Human Gene Mutation Database (HGMD: prior to June 1st, 2018), and was therefore a candidate for classification through an automated scoring system. Utilizing variant allele frequency, disease prevalence and penetrance estimates, and inheritance mode, an automated score was calculated to assess if this variant is too frequent to cause the disease. Based on the score and internal cut-off values, a variant classified as benign is not then subjected to further curation. The score for this variant resulted in a classification of benign for this disease.

Breakthrough Genomics
Classification: Likely benign. Review status: criteria provided, single submitter. Criteria: ACMG Guidelines, 2015. Collection method: not provided. Allele origin: germline. Inheritance: Autosomal recessive inheritance. Affected: yes.